The following is an entry in ClinVar:

ClinVar aggregate classification (germline): Benign. Review status: criteria provided, multiple submitters, no conflicts (2 of 4 stars). 3 submissions from 3 submitters: Benign (3). Last evaluated 2018-06-14.

Conditions:
Charcot-Marie-Tooth disease type 1F. Also called: CHARCOT-MARIE-TOOTH NEUROPATHY, TYPE 1F; Charcot-Marie-Tooth disease, demyelinating, type 1f. Identifiers: Orphanet 101085, MedGen C1843164, MONDO:0011902, OMIM 607734.

Allele frequency attached by ClinVar (database versions not stated): 1000 Genomes Project 30x 0.53248; gnomAD exomes 0.63351; gnomAD 0.53692 and 0.54477; 1000 Genomes Project 0.53994; TOPMed 0.53911.

Submissions (3):

GeneDx
Classification: Benign. Last evaluated: 2018-06-14. Review status: criteria provided, single submitter. Criteria: GeneDx Variant Classification (06012015). Collection method: clinical testing. Allele origin: germline. Affected: yes.
Comment: This variant is considered likely benign or benign based on one or more of the following criteria: it is a conservative change, it occurs at a poorly conserved position in the protein, it is predicted to be benign by multiple in silico algorithms, and/or has population frequency not consistent with disease.

Illumina Laboratory Services, Illumina
Classification: Benign for Charcot-Marie-Tooth disease type 1F. Last evaluated: 2018-01-12. Review status: criteria provided, single submitter. Criteria: ICSL Variant Classification Criteria 13 December 2019. Collection method: clinical testing. Allele origin: germline.
Comment: This variant was observed in the ICSL laboratory as part of a predisposition screen in an ostensibly healthy population. It had not been previously curated by ICSL or reported in the Human Gene Mutation Database (HGMD: prior to June 1st, 2018), and was therefore a candidate for classification through an automated scoring system. Utilizing variant allele frequency, disease prevalence and penetrance estimates, and inheritance mode, an automated score was calculated to assess if this variant is too frequent to cause the disease. Based on the score and internal cut-off values, a variant classified as benign is not then subjected to further curation. The score for this variant resulted in a classification of benign for this disease.

Breakthrough Genomics
Classification: Benign. Review status: criteria provided, single submitter. Criteria: ACMG Guidelines, 2015. Collection method: not provided. Allele origin: germline. Inheritance: Autosomal recessive inheritance. Affected: yes.

NM_006158.4(NEFL):c.-176C>A

Gene: NEFL (neurofilament light chain; minus strand). Cytogenetic location: 8p21.2.
Variant type: single nucleotide variant.
Coding change: c.-176C>A on transcript NM_006158.4; 176 bases upstream of the start codon, C replaced by A.
Genome position (GRCh38, 1-based): chr8:24,956,691, G>T on the plus strand (C>A on the coding strand, the complement: NEFL is on the minus strand). VCF-style: chr8-24956691-G-T. GRCh37 (hg19) VCF-style: chr8-24814205-G-T.
Identifiers: ClinVar variation 670555 (VCV000670555.8), dbSNP rs2979688, ClinGen allele CA12756980.
Genomic context (GRCh38, chr8:24,956,691, plus strand): 5'-CACCCCTATTTATACGCCGGGAGGCTCCTGACGCAGCCTGCGATCGATCACGGCACGCCG[G>T]CCAGTGGGGGCAGCGCGCTGCTGCAGCCAAGGCGAGGATTCTGCGCAAAAGGGAAGGCGG-3'